The following is an entry in ClinVar:

ClinVar aggregate classification (germline): Uncertain significance. Review status: criteria provided, multiple submitters, no conflicts (2 of 4 stars). 2 submissions from 2 submitters: Uncertain significance (2). Last evaluated 2023-07-31.

Conditions:
Inborn genetic diseases. Identifiers: MedGen C0950123, MeSH D030342.
Supravalvar aortic stenosis (SVAS). Also called: Supravalvar aortic stenosis, Eisenberg type. Identifiers: Orphanet 3193, MedGen C0003499, MONDO:0008504, OMIM 185500, HP:0004381.

Submissions (2):

Labcorp Genetics (formerly Invitae), Labcorp
Classification: Uncertain significance for Supravalvar aortic stenosis. Last evaluated: 2023-07-31. Review status: criteria provided, single submitter. Criteria: Invitae Variant Classification Sherloc (09022015). Collection method: clinical testing. Allele origin: germline.
Comment: Advanced modeling of protein sequence and biophysical properties (such as structural, functional, and spatial information, amino acid conservation, physicochemical variation, residue mobility, and thermodynamic stability) performed at Invitae indicates that this missense variant is not expected to disrupt ELN protein function. In summary, the available evidence is currently insufficient to determine the role of this variant in disease. Therefore, it has been classified as a Variant of Uncertain Significance. ClinVar contains an entry for this variant (Variation ID: 2311523). This variant has not been reported in the literature in individuals affected with ELN-related conditions. This variant is not present in population databases (gnomAD no frequency). This sequence change replaces alanine, which is neutral and non-polar, with threonine, which is neutral and polar, at codon 497 of the ELN protein (p.Ala497Thr).

Ambry Genetics
Classification: Uncertain significance for Inborn genetic diseases. Last evaluated: 2022-09-14. Review status: criteria provided, single submitter. Criteria: Ambry Variant Classification Scheme 2023. Collection method: clinical testing. Allele origin: germline.

NM_000501.4(ELN):c.1402G>A (p.Ala468Thr)

Gene: ELN (elastin; plus strand). Cytogenetic location: 7q11.23.
Variant type: single nucleotide variant.
Coding change: c.1402G>A on transcript NM_000501.4 (MANE Select); coding-DNA position 1402, G replaced by A.
Protein change: p.Ala468Thr; replaces alanine 468 with threonine.
Molecular consequence: missense variant. On other transcripts: intron variant (7).
Genome position (GRCh38, 1-based): chr7:74,057,684, G>A. VCF-style: chr7-74057684-G-A. GRCh37 (hg19) VCF-style: chr7-73472014-G-A.
Other names: c.1417G>A, p.Ala473Thr (NM_001081754.3); c.1402G>A, p.Ala468Thr (NM_001278912.2, NM_001278915.2); c.1372G>A, p.Ala458Thr (NM_001278917.2); c.1489G>A, p.Ala497Thr (NM_001278939.2); c.1372+971G>A (NM_001081753.3); c.1357+971G>A (NM_001081755.3); c.1315+971G>A (NM_001278916.2); c.1171+971G>A (NM_001278913.2); and 3 more; short protein forms A458T, A468T, A473T, A497T.
Identifiers: ClinVar variation 2311523 (VCV002311523.5), dbSNP rs1795598205, ClinGen allele CA367883099.
Genomic context (GRCh38, chr7:74,057,684, plus strand): 5'-CTCTTCACACCTCCAGGAGTGGGGACCCCAGCAGCTGCAGCTGCTAAAGCAGCCGCCAAA[G>A]CCGCCCAGTTTGGTAAGTCCCCCTCACCCCCGCCACTGGCTCACGGAGAACTGCTTTCTC-3'
Protein context (NP_000492.2, residues 458-478): AAAAAKAAAK[Ala468Thr]AQFGLVPGVG